The following is an entry in ClinVar:

ClinVar aggregate classification (germline): Pathogenic (1 of 4 stars; one submission).

Conditions:
Short-rib thoracic dysplasia 8 with or without polydactyly (SRTD8). Also called: SHORT-RIB THORACIC DYSPLASIA 8 WITH POLYDACTYLY. Identifiers: Orphanet 93271, MedGen C3809691, MONDO:0014214, OMIM 615503.

Submission:

Labcorp Genetics (formerly Invitae), Labcorp
Classification: Pathogenic for Short-rib thoracic dysplasia 8 with or without polydactyly. Last evaluated: 2024-01-01. Review status: criteria provided, single submitter. Criteria: Invitae Variant Classification Sherloc (09022015). Collection method: clinical testing. Allele origin: germline.
Comment: This sequence change creates a premature translational stop signal (p.Gly794Argfs*11) in the WDR60 gene. It is expected to result in an absent or disrupted protein product. Loss-of-function variants in WDR60 are known to be pathogenic (PMID: 9068549, 23910462). This variant is not present in population databases (gnomAD no frequency). This variant has not been reported in the literature in individuals affected with WDR60-related conditions. For these reasons, this variant has been classified as Pathogenic.

Literature cited by the submitters: PubMed 9068549; PubMed 23910462.

NM_018051.5(DYNC2I1):c.2378dup (p.Gly794fs)

Gene: DYNC2I1 (dynein 2 intermediate chain 1; plus strand). Cytogenetic location: 7q36.3.
Variant type: Duplication.
Coding change: c.2378dup on transcript NM_018051.5 (MANE Select); coding-DNA position 2378, one base duplicated (C; older notation c.2378dupC).
Protein change: p.Gly794fs; shifts the reading frame from glycine 794.
Molecular consequence: frameshift variant.
Genome position (GRCh38, 1-based): chr7:158,926,408, C duplicated. VCF-style (leftmost placement, unchanged base first): chr7-158926407-T-TC. GRCh37 (hg19) VCF-style: chr7-158719098-T-TC.
Other names: c.1130dup, p.Gly378fs (NM_001350918.2, NM_001350917.2); c.2240dup, p.Gly748fs (NM_001350914.2); c.1805dup, p.Gly603fs (NM_001350915.2); c.917dup, p.Gly307fs (NM_001350916.2); short protein forms G307fs, G603fs, G378fs, G748fs, G794fs.
Identifiers: ClinVar variation 2706914 (VCV002706914.3), dbSNP rs2536414666, ClinGen allele CA2697549736.